The following is an entry in ClinVar:

NM_001267550.2(TTN):c.101839T>A (p.Tyr33947Asn)

Genes: TTN (titin; minus strand), TTN-AS1 (TTN antisense RNA 1; plus strand). Cytogenetic location: 2q31.2.
Variant type: single nucleotide variant.
Coding change: c.101839T>A on transcript NM_001267550.2 (MANE Select); coding-DNA position 101839, T replaced by A.
Protein change: p.Tyr33947Asn; replaces tyrosine 33947 with asparagine.
Molecular consequence: missense variant.
Genome position (GRCh38, 1-based): chr2:178,534,776, A>T on the plus strand (T>A on the coding strand, the complement: TTN is on the minus strand). VCF-style: chr2-178534776-A-T. GRCh37 (hg19) VCF-style: chr2-179399503-A-T.
Other names: c.96916T>A, p.Tyr32306Asn (NM_001256850.1); c.74644T>A, p.Tyr24882Asn (NM_003319.4); c.94135T>A, p.Tyr31379Asn (NM_133378.4); c.75019T>A, p.Tyr25007Asn (NM_133432.3); c.75220T>A, p.Tyr25074Asn (NM_133437.4); short protein forms Y25007N, Y25074N, Y31379N, Y24882N, Y32306N, Y33947N.
Identifiers: ClinVar variation 4784883 (VCV004784883.1).

ClinVar aggregate classification (germline): Uncertain significance (1 of 4 stars; one submission).

Conditions:
Autosomal recessive limb-girdle muscular dystrophy type 2J (LGMDR10). Also called: Limb-girdle muscular dystrophy, type 2J; MUSCULAR DYSTROPHY, LIMB-GIRDLE, AUTOSOMAL RECESSIVE 10. Identifiers: Orphanet 140922, MedGen C1837342, MONDO:0012127, OMIM 608807.
Dilated cardiomyopathy 1G (CMD1G). Identifiers: Orphanet 154, MedGen C1858763, MONDO:0011400, OMIM 604145.

Submission:

Labcorp Genetics (formerly Invitae), Labcorp
Classification: Uncertain significance for Dilated cardiomyopathy 1G; Autosomal recessive limb-girdle muscular dystrophy type 2J. Last evaluated: 2025-05-06. Review status: criteria provided, single submitter. Criteria: Invitae Variant Classification Sherloc (09022015). Collection method: clinical testing. Allele origin: germline.
Comment: This sequence change replaces tyrosine, which is neutral and polar, with asparagine, which is neutral and polar, at codon 33947 of the TTN protein (p.Tyr33947Asn). This variant is not present in population databases (gnomAD no frequency). This variant has not been reported in the literature in individuals affected with TTN-related conditions. Experimental studies and prediction algorithms are not available or were not evaluated, and the functional significance of this variant is currently unknown. This variant is located in the M band of TTN (PMID: 25589632). Non-truncating variants in this region may be relevant for neuromuscular disorders, but have not been definitively shown to cause cardiomyopathy (PMID: 23975875). In summary, the available evidence is currently insufficient to determine the role of this variant in disease. Therefore, it has been classified as a Variant of Uncertain Significance.

Literature cited by the submitters: PubMed 25589632; PubMed 23975875.